The following is an entry in ClinVar:

ClinVar aggregate classification (germline): Uncertain significance. Review status: criteria provided, multiple submitters, no conflicts (2 of 4 stars). 3 submissions from 3 submitters: Uncertain significance (3). Last evaluated 2024-01-04.

Conditions:
Diamond-Blackfan anemia. Also called: Blackfan Diamond syndrome; Aregenerative anemia chronic congenital; Red cell aplasia, pure hereditary; Congenital hypoplastic anemia; Aase syndrome. Identifiers: Orphanet 124, MedGen C1260899, MeSH D029503, MONDO:0015253, HP:0004810.
Diamond-Blackfan anemia 6 (DBA6). Also called: RPL5-Related Diamond-Blackfan Anemia. Identifiers: Orphanet 124, MedGen C2931850, MONDO:0012937, OMIM 612561.

Allele frequency attached by ClinVar (database versions not stated): ExAC 0.00001; TOPMed 0.00001; gnomAD exomes 0.00002 and 0.00001.
gnomAD v4.1: 16 of 1,613,504 alleles (0.00099%); highest among the groups gnomAD compares: Middle Eastern, 0.035%; no homozygotes.

Submissions (3):

Labcorp Genetics (formerly Invitae), Labcorp
Classification: Uncertain significance for Diamond-Blackfan anemia. Last evaluated: 2024-01-04. Review status: criteria provided, single submitter. Criteria: Invitae Variant Classification Sherloc (09022015). Collection method: clinical testing. Allele origin: germline.
Comment: This sequence change replaces arginine, which is basic and polar, with cysteine, which is neutral and slightly polar, at codon 35 of the RPL5 protein (p.Arg35Cys). This variant is present in population databases (rs772575122, gnomAD 0.002%). This variant has not been reported in the literature in individuals affected with RPL5-related conditions. ClinVar contains an entry for this variant (Variation ID: 988012). Advanced modeling of protein sequence and biophysical properties (such as structural, functional, and spatial information, amino acid conservation, physicochemical variation, residue mobility, and thermodynamic stability) performed at Invitae indicates that this missense variant is not expected to disrupt RPL5 protein function with a negative predictive value of 80%. In summary, the available evidence is currently insufficient to determine the role of this variant in disease. Therefore, it has been classified as a Variant of Uncertain Significance.

Fulgent Genetics
Classification: Uncertain significance for Diamond-Blackfan anemia 6. Last evaluated: 2023-12-28. Review status: criteria provided, single submitter. Criteria: ACMG Guidelines, 2015. Collection method: clinical testing. Allele origin: germline.

Johns Hopkins Genomics, Johns Hopkins University
Classification: Uncertain significance for Diamond-Blackfan anemia 6. Last evaluated: 2020-11-20. Review status: criteria provided, single submitter. Criteria: ACMG Guidelines, 2015. Collection method: clinical testing. Allele origin: germline.
Comment: RPL5 c.103C>T (rs772575122) is rare (<0.1%) in a large population dataset (gnomAD: 4/251108 total alleles; 0.002%; no homozygotes) and has not been reported in ClinVar nor the literature, to our knowledge. Of three bioinformatics tools queried, two predict that the substitution would be damaging, while one predicts that it would be tolerated. The arginine residue at this position is highly evolutionarily conserved across all species assessed. We consider the clinical significance of c.103C>T to be uncertain at this time.

NM_000969.5(RPL5):c.103C>T (p.Arg35Cys)

Genes: DIPK1A (divergent protein kinase domain 1A; minus strand), RPL5 (ribosomal protein L5; plus strand). Cytogenetic location: 1p22.1.
Variant type: single nucleotide variant.
Coding change: c.103C>T on transcript NM_000969.5 (MANE Select); coding-DNA position 103, C replaced by T.
Protein change: p.Arg35Cys; replaces arginine 35 with cysteine.
Molecular consequence: missense variant. On other transcripts: non-coding transcript variant (1), intron variant (1).
Genome position (GRCh38, 1-based): chr1:92,833,574, C>T. VCF-style: chr1-92833574-C-T. GRCh37 (hg19) VCF-style: chr1-93299131-C-T.
Other names: c.475-540G>A (NM_001252273.2); short protein forms R35C.
Identifiers: ClinVar variation 988012 (VCV000988012.11), dbSNP rs772575122, ClinGen allele CA952373.
Genomic context (GRCh38, chr1:92,833,574, plus strand): 5'-TATCCTTTCTACAATTATTTTTTTCTTTCAGAGGGTAAAACTGATTATTATGCTCGGAAA[C>T]GCTTGGTGATACAAGATAAAAATAAATACAACACACCCAAATACAGGATGATAGTTCGTG-3'
Protein context (NP_000960.2, residues 25-45): EGKTDYYARK[Arg35Cys]LVIQDKNKYN